The following is an entry in ClinVar:

ClinVar aggregate classification (germline): Pathogenic (1 of 4 stars; one submission).

Conditions:
Tuberous sclerosis 2 (TSC2). Identifiers: Orphanet 805, MedGen C1860707, MONDO:0013199, OMIM 613254.

Submission:

Labcorp Genetics (formerly Invitae), Labcorp
Classification: Pathogenic for Tuberous sclerosis 2. Last evaluated: 2019-06-17. Review status: criteria provided, single submitter. Criteria: Invitae Variant Classification Sherloc (09022015). Collection method: clinical testing. Allele origin: germline.
Comment: For these reasons, this variant has been classified as Pathogenic. Loss-of-function variants in TSC2 are known to be pathogenic (PMID: 10205261, 17304050). This variant has been reported in an individual affected with tuberous sclerosis (PMID: 25900779). This variant is not present in population databases (ExAC no frequency). This sequence change creates a premature translational stop signal (p.Trp82*) in the TSC2 gene. It is expected to result in an absent or disrupted protein product.

Literature cited by the submitters: PubMed 10205261; PubMed 17304050; PubMed 25900779.

NM_000548.5(TSC2):c.246G>A (p.Trp82Ter)

Gene: TSC2 (TSC complex subunit 2; plus strand). Cytogenetic location: 16p13.3.
Variant type: single nucleotide variant.
Coding change: c.246G>A on transcript NM_000548.5 (MANE Select); coding-DNA position 246, G replaced by A.
Protein change: p.Trp82Ter; replaces tryptophan 82 with a stop codon.
Molecular consequence: nonsense. On other transcripts: intron variant (2).
Genome position (GRCh38, 1-based): chr16:2,053,362, G>A. VCF-style: chr16-2053362-G-A. GRCh37 (hg19) VCF-style: chr16-2103363-G-A.
Other names: c.246G>A, p.Trp82Ter (NM_001077183.3, NM_001114382.3, NM_001363528.2 and 3 more transcripts); c.99G>A, p.Trp33Ter (NM_001318829.2); c.279G>A, p.Trp93Ter (NM_001318832.2); c.226-934G>A (NM_001318827.2); c.-1-2834G>A (NM_001318831.2); short protein forms W82*, W33*, W93*.
Identifiers: ClinVar variation 580963 (VCV000580963.10), dbSNP rs1567394860, ClinGen allele CA394305499.